The following is an entry in ClinVar:

NM_022552.5(DNMT3A):c.1453C>T (p.Gln485Ter)

Gene: DNMT3A (DNA methyltransferase 3 alpha; minus strand). Cytogenetic location: 2p23.3.
Variant type: single nucleotide variant.
Coding change: c.1453C>T on transcript NM_022552.5 (MANE Select); coding-DNA position 1453, C replaced by T.
Protein change: p.Gln485Ter; replaces glutamine 485 with a stop codon.
Molecular consequence: nonsense. On other transcripts: non-coding transcript variant (1).
Genome position (GRCh38, 1-based): chr2:25,246,041, G>A on the plus strand (C>T on the coding strand, the complement: DNMT3A is on the minus strand). VCF-style: chr2-25246041-G-A. GRCh37 (hg19) VCF-style: chr2-25468910-G-A.
Other names: c.997C>T, p.Gln333Ter (NM_001320893.1); c.784C>T, p.Gln262Ter (NM_001375819.1); c.886C>T, p.Gln296Ter (NM_153759.3); c.1453C>T, p.Gln485Ter (NM_175629.2); short protein forms Q262*, Q296*, Q333*, Q485*.
Identifiers: ClinVar variation 4850797 (VCV004850797.1).

ClinVar aggregate classification (germline): Likely pathogenic (1 of 4 stars; one submission).

Conditions:
Tatton-Brown-Rahman overgrowth syndrome. Also called: Tall stature-intellectual disability-facial dysmorphism syndrome; Tatton-Brown-Rahman syndrome. Identifiers: Orphanet 404443, MedGen C4014545, MONDO:0014382, OMIM 615879.

Submission:

Variantyx, Inc.
Classification: Likely pathogenic for Tatton-Brown-Rahman overgrowth syndrome. Last evaluated: 2025-06-29. Review status: criteria provided, single submitter. Criteria: Variantyx Assertion Criteria 2022. Collection method: clinical testing. Allele origin: germline. Inheritance: Autosomal dominant inheritance. Affected: yes.
Comment: This is a nonsense variant in the DNMT3A gene (OMIM: 602769). Pathogenic variants in this gene have been associated with autosomal dominant Tatton-Brown-Rahman syndrome. This variant introduces a premature termination codon in exon 12 out of 23 and is expected to result in loss of function, which is a known disease mechanism for DNMT3A in this disorder (PMID: 29900417, 24614070) (PVS1). This variant has a 0.0003% maximum allele frequency in non-founder control populations (PM2) and it has not been reported in individuals with DNMT3A-related disorders in the databases available for review. Based on the current evidence, this variant is classified as likely pathogenic for autosomal dominant Tatton-Brown-Rahman syndrome.

Literature cited by the submitters: PubMed 29900417; PubMed 24614070.